The following is an entry in ClinVar:

ClinVar aggregate classification (germline): Likely benign. Review status: criteria provided, multiple submitters, no conflicts (2 of 4 stars). 3 submissions from 3 submitters: Likely benign (3). Last evaluated 2024-07-11.

Conditions:
BAP1-related tumor predisposition syndrome (TPDS1). Also called: Tumor susceptibility linked to germline BAP1 mutations; BAP1 tumor predisposition syndrome; TUMOR PREDISPOSITION SYNDROME 1; COMMON Syndrome. Identifiers: Orphanet 289539, MedGen C3280492, MONDO:0013692, OMIM 614327.
Hereditary cancer-predisposing syndrome. Also called: Neoplastic Syndromes, Hereditary; Tumor predisposition; Hereditary neoplastic syndrome; Hereditary Cancer Syndrome. Identifiers: Orphanet 140162, MedGen C0027672, MeSH D009386, MONDO:0015356.

Allele frequency attached by ClinVar (database versions not stated): gnomAD exomes below 0.00001; ExAC 0.00001; gnomAD 0.00001.
gnomAD v4.1: 2 of 1,614,082 alleles (0.00012%); highest among the groups gnomAD compares: Non-Finnish European, 0.00017%; no homozygotes.

Submissions (3):

Myriad Genetics, Inc.
Classification: Likely benign for BAP1-related tumor predisposition syndrome. Last evaluated: 2024-07-11. Review status: criteria provided, single submitter. Criteria: Myriad Autosomal Dominant, Autosomal Recessive and X-Linked Classification Criteria (2023). Collection method: clinical testing. Allele origin: unknown.
Comment: This variant is considered likely benign. This variant is intronic and is not expected to impact mRNA splicing.

Labcorp Genetics (formerly Invitae), Labcorp
Classification: Likely benign for BAP1-related tumor predisposition syndrome. Last evaluated: 2024-05-29. Review status: criteria provided, single submitter. Criteria: Invitae Variant Classification Sherloc (09022015). Collection method: clinical testing. Allele origin: germline.

Color Diagnostics, LLC DBA Color Health
Classification: Likely benign for Hereditary cancer-predisposing syndrome. Last evaluated: 2018-06-12. Review status: criteria provided, single submitter. Criteria: ACMG Guidelines, 2015. Collection method: clinical testing. Allele origin: germline.

NM_004656.4(BAP1):c.68-16C>T

Gene: BAP1 (BRCA1 associated deubiquitinase 1; minus strand). Cytogenetic location: 3p21.1.
Variant type: single nucleotide variant.
Coding change: c.68-16C>T on transcript NM_004656.4 (MANE Select); 16 bases into the intron before coding-DNA position 68, C replaced by T.
Molecular consequence: intron variant.
Genome position (GRCh38, 1-based): chr3:52,409,624, G>A on the plus strand (C>T on the coding strand, the complement: BAP1 is on the minus strand). VCF-style: chr3-52409624-G-A. GRCh37 (hg19) VCF-style: chr3-52443640-G-A.
Identifiers: ClinVar variation 629915 (VCV000629915.11), dbSNP rs758401468, ClinGen allele CA2437195.
Genomic context (GRCh38, chr3:52,409,624, plus strand): 5'-TGCTCTGAAGGTCGTAGATCTCCTCCACTTGCACCCCCTTGACACCTGCGATGAGGAAAG[G>A]AAAGCAGTAGGGAAGGACAGCCCCTGATGAGTGAGGGCGCAGGGGTGGGCCGCCACAGCC-3'